The following is an entry in ClinVar:

NM_015100.4(POGZ):c.3117C>T (p.Arg1039=)

Gene: POGZ (pogo transposable element derived with ZNF domain; minus strand). Cytogenetic location: 1q21.3.
Variant type: single nucleotide variant.
Coding change: c.3117C>T on transcript NM_015100.4 (MANE Select); coding-DNA position 3117, C replaced by T.
Protein change: p.Arg1039=; no amino-acid change (arginine 1039 retained).
Molecular consequence: synonymous variant.
Genome position (GRCh38, 1-based): chr1:151,405,918, G>A on the plus strand (C>T on the coding strand, the complement: POGZ is on the minus strand). VCF-style: chr1-151405918-G-A. GRCh37 (hg19) VCF-style: chr1-151378394-G-A.
Other names: c.3090C>T, p.Arg1030= (NM_001194937.2); c.2931C>T, p.Arg977= (NM_001194938.2); c.2832C>T, p.Arg944= (NM_145796.4); c.2958C>T, p.Arg986= (NM_207171.2).
Identifiers: ClinVar variation 724971 (VCV000724971.27), dbSNP rs371361212, ClinGen allele CA1091005.

ClinVar aggregate classification (germline): Likely benign. Review status: criteria provided, multiple submitters, no conflicts (2 of 4 stars). 3 submissions from 3 submitters: Likely benign (3). Last evaluated 2023-11-01.

Allele frequency attached by ClinVar (database versions not stated): gnomAD exomes 0.00003 and 0.00007; ExAC 0.00007; ESP Exome Variant Server 0.00008; gnomAD 0.00009 and 0.00011; TOPMed 0.00011.
gnomAD v4.1: 63 of 1,613,942 alleles (0.0039%); highest among the groups gnomAD compares: African/African-American, 0.029%; no homozygotes.

Submissions (3):

CeGaT Center for Human Genetics Tuebingen
Classification: Likely benign. Last evaluated: 2023-11-01. Review status: criteria provided, single submitter. Criteria: CeGaT Center For Human Genetics Tuebingen Variant Classification Criteria Version 2. Collection method: clinical testing. Allele origin: germline. Affected: yes. Observed: 1 variant allele.
Comment: POGZ: BP4, BP7

Blueprint Genetics
Classification: Likely benign. Last evaluated: 2022-05-05. Review status: criteria provided, single submitter. Criteria: ACMG Guidelines, 2015. Collection method: clinical testing. Allele origin: germline.

Labcorp Genetics (formerly Invitae), Labcorp
Classification: Likely benign. Last evaluated: 2018-02-15. Review status: criteria provided, single submitter. Criteria: Invitae Variant Classification Sherloc (09022015). Collection method: clinical testing. Allele origin: germline.